The following is an entry in ClinVar:

NM_022725.4(FANCF):c.-10C>T

Gene: FANCF (FA complementation group F; minus strand). Cytogenetic location: 11p14.3.
Variant type: single nucleotide variant.
Coding change: c.-10C>T on transcript NM_022725.4 (MANE Select); 10 bases upstream of the start codon, C replaced by T.
Molecular consequence: 5 prime UTR variant.
Genome position (GRCh38, 1-based): chr11:22,625,820, G>A on the plus strand (C>T on the coding strand, the complement: FANCF is on the minus strand). VCF-style: chr11-22625820-G-A. GRCh37 (hg19) VCF-style: chr11-22647366-G-A.
Identifiers: ClinVar variation 261630 (VCV000261630.21), dbSNP rs3740615, ClinGen allele CA5924463.

ClinVar aggregate classification (germline): Benign/Likely benign. Review status: criteria provided, multiple submitters, no conflicts (2 of 4 stars). 10 submissions from 10 submitters: Benign (9); Likely benign (1). Last evaluated 2025-07-28.

Conditions:
Fanconi anemia complementation group F. Also called: FANCF-Related Fanconi Anemia. Identifiers: Orphanet 84, MedGen C3469526, MONDO:0011325, OMIM 603467.
Fanconi anemia (FA). Also called: Fanconi's anemia. Identifiers: Orphanet 84, MedGen C0015625, MeSH D005199, MONDO:0019391.

Allele frequency attached by ClinVar (database versions not stated): 1000 Genomes Project 30x 0.10884; 1000 Genomes Project 0.11382; TOPMed 0.14082; ESP Exome Variant Server 0.14662.

Submissions (10):

ARUP Laboratories, Molecular Genetics and Genomics, ARUP Laboratories
Classification: Benign for Fanconi anemia complementation group F. Last evaluated: 2025-07-28. Review status: criteria provided, single submitter. Criteria: ARUP Molecular Germline Variant Investigation Process 2024. Collection method: clinical testing. Allele origin: germline.

Labcorp Genetics (formerly Invitae), Labcorp
Classification: Benign for Fanconi anemia. Last evaluated: 2025-07-17. Review status: criteria provided, single submitter. Criteria: Invitae Variant Classification Sherloc (09022015). Collection method: clinical testing. Allele origin: germline.

Blueprint Genetics
Classification: Likely benign. Last evaluated: 2024-11-27. Review status: criteria provided, single submitter. Criteria: ACMG Guidelines, 2015. Collection method: clinical testing. Allele origin: germline.

KCCC/NGS Laboratory, Kuwait Cancer Control Center
Classification: Benign for Fanconi anemia complementation group F. Last evaluated: 2023-07-07. Review status: criteria provided, single submitter. Criteria: ACMG Guidelines, 2015. Collection method: clinical testing. Allele origin: germline. Affected: yes.

Mayo Clinic Laboratories, Mayo Clinic
Classification: Benign. Last evaluated: 2022-09-06. Review status: criteria provided, single submitter. Criteria: ACMG Guidelines, 2015. Collection method: clinical testing. Allele origin: germline. Observed: 20 variant alleles.

Genome-Nilou Lab
Classification: Benign for Fanconi anemia complementation group F. Last evaluated: 2021-08-10. Review status: criteria provided, single submitter. Criteria: ACMG Guidelines, 2015. Collection method: clinical testing. Allele origin: germline. Affected: no.

GeneDx
Classification: Benign. Last evaluated: 2019-01-10. Review status: criteria provided, single submitter. Criteria: GeneDx Variant Classification Process June 2021. Collection method: clinical testing. Allele origin: germline. Affected: yes.

Illumina Laboratory Services, Illumina
Classification: Benign for Fanconi anemia complementation group F. Last evaluated: 2018-01-13. Review status: criteria provided, single submitter. Criteria: ICSL Variant Classification Criteria 13 December 2019. Collection method: clinical testing. Allele origin: germline.
Comment: This variant was observed in the ICSL laboratory as part of a predisposition screen in an ostensibly healthy population. It had not been previously curated by ICSL or reported in the Human Gene Mutation Database (HGMD: prior to June 1st, 2018), and was therefore a candidate for classification through an automated scoring system. Utilizing variant allele frequency, disease prevalence and penetrance estimates, and inheritance mode, an automated score was calculated to assess if this variant is too frequent to cause the disease. Based on the score and internal cut-off values, a variant classified as benign is not then subjected to further curation. The score for this variant resulted in a classification of benign for this disease.

Breakthrough Genomics
Classification: Benign. Review status: criteria provided, single submitter. Criteria: ACMG Guidelines, 2015. Collection method: not provided. Allele origin: germline. Inheritance: Autosomal recessive inheritance. Affected: yes.

PreventionGenetics, part of Exact Sciences
Classification: Benign. Review status: criteria provided, single submitter. Criteria: ACMG Guidelines, 2015. Collection method: clinical testing. Allele origin: germline.